The following is an entry in ClinVar:

NM_000238.4(KCNH2):c.2117_2121del (p.Ser706fs)

Gene: KCNH2 (potassium voltage-gated channel subfamily H member 2; minus strand). Cytogenetic location: 7q36.1.
Variant type: Deletion.
Coding change: c.2117_2121del on transcript NM_000238.4 (MANE Select); coding-DNA positions 2117 to 2121, 5 bases deleted (CCTAC; older notation c.2117_2121delCCTAC).
Protein change: p.Ser706fs; shifts the reading frame from serine 706.
Molecular consequence: frameshift variant. On other transcripts: non-coding transcript variant (2).
Genome position (GRCh38, 1-based): chr7:150,950,945-150,950,949, GTAGG deleted on the plus strand (CCTAC on the coding strand, the reverse complement: KCNH2 is on the minus strand). VCF-style (leftmost placement, unchanged base first): chr7-150950944-TGTAGG-T. GRCh37 (hg19) VCF-style: chr7-150648032-TGTAGG-T.
Other names: p.Ser706TyrfsTer15; c.1097_1101del, p.Ser366fs (NM_001204798.2, NM_172057.3); c.1829_1833del, p.Ser610fs (NM_001406753.1, NM_001406756.1); c.1940_1944del, p.Ser647fs (NM_001406755.1); c.1817_1821del, p.Ser606fs (NM_001406757.1); c.2117_2121del, p.Ser706fs (NM_172056.3); short protein forms S366fs, S606fs, S610fs, S647fs, S706fs.
Identifiers: ClinVar variation 3252026 (VCV003252026.2), dbSNP rs2486030446.

ClinVar aggregate classification (germline): Likely pathogenic (1 of 4 stars; one submission).

Conditions:
Long QT syndrome 2 (LQT2). Identifiers: Orphanet 101016, Orphanet 768, MedGen C3150943, MONDO:0013367, OMIM 613688.

Submission:

Foundation for Research in Genetics and Endocrinology, FRIGE's Institute of Human Genetics
Classification: Likely pathogenic for Long QT syndrome 2. Last evaluated: 2024-07-02. Review status: criteria provided, single submitter. Criteria: ACMG Guidelines, 2015. Collection method: clinical testing. Allele origin: germline. Inheritance: Autosomal dominant inheritance. Affected: yes. Observed: 1 heterozygote.
Comment: A heterozygous deletion c.2117_2121delCCTAC in exon 8 of the KCNH2 gene resulted in a frameshift and premature truncation of the protein 15 amino acids downstream to codon 706 (p.Ser706TyrfsTer15) was detected. This variant has not been reported in the 1000 genomes and gnomAD databases. The reference region is conserved across species.